The following is an entry in ClinVar:

ClinVar aggregate classification (germline): Likely benign. Review status: criteria provided, single submitter (1 of 4 stars). 2 submissions from 2 submitters: Likely benign (1). 1 of the submissions does not count toward it. Last evaluated 2025-12-17.

Conditions:
Chédiak-Higashi syndrome (CHS). Also called: Chediak-Higashi Syndrome. Identifiers: Orphanet 167, MedGen C0007965, MONDO:0008963, OMIM 214500.
LYST-related disorder. Also called: LYST-related condition.

Allele frequency attached by ClinVar (database versions not stated): gnomAD 0.00004; TOPMed 0.00004; 1000 Genomes Project 30x 0.00016; 1000 Genomes Project 0.00020.
gnomAD v4.1: 8 of 1,613,568 alleles (0.0005%); highest among the groups gnomAD compares: African/African-American, 0.0093%; no homozygotes.

Submissions (2):

Labcorp Genetics (formerly Invitae), Labcorp
Classification: Likely benign for Chédiak-Higashi syndrome. Last evaluated: 2025-12-17. Review status: criteria provided, single submitter. Criteria: Invitae Variant Classification Sherloc (09022015). Collection method: clinical testing. Allele origin: germline.

PreventionGenetics, part of Exact Sciences
Classification: Likely benign for LYST-related condition. Last evaluated: 2021-08-16. Review status: no assertion criteria provided. Collection method: clinical testing. Allele origin: germline. Not counted in ClinVar's aggregate classification.
Comment: This variant is classified as likely benign based on ACMG/AMP sequence variant interpretation guidelines (Richards et al. 2015 PMID: 25741868, with internal and published modifications).

NM_000081.4(LYST):c.4779A>G (p.Gln1593=)

Gene: LYST (lysosomal trafficking regulator; minus strand). Cytogenetic location: 1q42.3.
Variant type: single nucleotide variant.
Coding change: c.4779A>G on transcript NM_000081.4 (MANE Select); coding-DNA position 4779, A replaced by G.
Protein change: p.Gln1593=; no amino-acid change (glutamine 1593 retained).
Molecular consequence: synonymous variant.
Genome position (GRCh38, 1-based): chr1:235,787,283, T>C on the plus strand (A>G on the coding strand, the complement: LYST is on the minus strand). VCF-style: chr1-235787283-T-C. GRCh37 (hg19) VCF-style: chr1-235950583-T-C.
Other names: c.4779A>G, p.Gln1593= (NM_001301365.1).
Identifiers: ClinVar variation 1902647 (VCV001902647.7), dbSNP rs536275804, ClinGen allele CA1466761.